The following is an entry in ClinVar:

ClinVar aggregate classification (germline): Benign. Review status: criteria provided, multiple submitters, no conflicts (2 of 4 stars). 2 submissions from 2 submitters: Benign (2). Last evaluated 2018-06-14.

Allele frequency attached by ClinVar (database versions not stated): 1000 Genomes Project 0.04153; 1000 Genomes Project 30x 0.04154; TOPMed 0.06025; gnomAD 0.06781 and 0.06929.
gnomAD v4.1: 67,260 of 1,004,484 alleles (6.7%); highest among the groups gnomAD compares: Middle Eastern, 7.3%; 2,747 homozygotes.

Submissions (2):

GeneDx
Classification: Benign. Last evaluated: 2018-06-14. Review status: criteria provided, single submitter. Criteria: GeneDx Variant Classification (06012015). Collection method: clinical testing. Allele origin: germline. Affected: yes.
Comment: This variant is considered likely benign or benign based on one or more of the following criteria: it is a conservative change, it occurs at a poorly conserved position in the protein, it is predicted to be benign by multiple in silico algorithms, and/or has population frequency not consistent with disease.

Breakthrough Genomics
Classification: Benign. Review status: criteria provided, single submitter. Criteria: ACMG Guidelines, 2015. Collection method: not provided. Allele origin: germline. Inheritance: Autosomal dominant inheritance. Affected: yes.

NM_003480.4(MFAP5):c.59-101A>T

Gene: MFAP5 (microfibril associated protein 5; minus strand). Cytogenetic location: 12p13.31.
Variant type: single nucleotide variant.
Coding change: c.59-101A>T on transcript NM_003480.4 (MANE Select); 101 bases into the intron before coding-DNA position 59, A replaced by T.
Molecular consequence: intron variant.
Genome position (GRCh38, 1-based): chr12:8,660,999, T>A on the plus strand (A>T on the coding strand, the complement: MFAP5 is on the minus strand). VCF-style: chr12-8660999-T-A. GRCh37 (hg19) VCF-style: chr12-8813595-T-A.
Other names: c.58+1048A>T (NM_001297710.2); c.59-101A>T (NM_001297711.2, NM_001297712.2, NM_001297709.2).
Identifiers: ClinVar variation 674704 (VCV000674704.2), dbSNP rs12809190, ClinGen allele CA13762176.